The following is an entry in ClinVar:

NM_004655.4(AXIN2):c.1288A>G (p.Ser430Gly)

Gene: AXIN2 (axin 2; minus strand). Cytogenetic location: 17q24.1.
Variant type: single nucleotide variant.
Coding change: c.1288A>G on transcript NM_004655.4 (MANE Select); coding-DNA position 1288, A replaced by G.
Protein change: p.Ser430Gly; replaces serine 430 with glycine.
Molecular consequence: missense variant.
Genome position (GRCh38, 1-based): chr17:65,537,748, T>C on the plus strand (A>G on the coding strand, the complement: AXIN2 is on the minus strand). VCF-style: chr17-65537748-T-C. GRCh37 (hg19) VCF-style: chr17-63533866-T-C.
Other names: c.1288A>G, p.Ser430Gly (NM_001363813.1); short protein forms S430G.
Identifiers: ClinVar variation 2007554 (VCV002007554.5), dbSNP rs2509417309, ClinGen allele CA400677812.

ClinVar aggregate classification (germline): Conflicting classifications of pathogenicity. Review status: criteria provided, conflicting classifications (1 of 4 stars). 2 submissions from 2 submitters: Uncertain significance (1); Likely benign (1). Last evaluated 2026-05-12.

Conditions:
Hereditary cancer-predisposing syndrome. Also called: Neoplastic Syndromes, Hereditary; Tumor predisposition; Hereditary Cancer Syndrome; Hereditary neoplastic syndrome. Identifiers: Orphanet 140162, MedGen C0027672, MeSH D009386, MONDO:0015356.
Oligodontia-cancer predisposition syndrome. Also called: TOOTH AGENESIS-COLORECTAL CANCER SYNDROME. Identifiers: Orphanet 300576, MedGen C1837750, MONDO:0012075, OMIM 608615. Disease mechanism: loss of function.

Submissions (2):

Ambry Genetics
Classification: Likely benign for Hereditary cancer-predisposing syndrome. Last evaluated: 2026-05-12. Review status: criteria provided, single submitter. Criteria: Ambry Variant Classification Scheme 2023. Collection method: clinical testing. Allele origin: germline.

Labcorp Genetics (formerly Invitae), Labcorp
Classification: Uncertain significance for Oligodontia-cancer predisposition syndrome. Last evaluated: 2025-03-19. Review status: criteria provided, single submitter. Criteria: Invitae Variant Classification Sherloc (09022015). Collection method: clinical testing. Allele origin: germline.
Comment: This sequence change replaces serine, which is neutral and polar, with glycine, which is neutral and non-polar, at codon 430 of the AXIN2 protein (p.Ser430Gly). This variant is not present in population databases (gnomAD no frequency). This variant has not been reported in the literature in individuals affected with AXIN2-related conditions. ClinVar contains an entry for this variant (Variation ID: 2007554). Invitae Evidence Modeling of protein sequence and biophysical properties (such as structural, functional, and spatial information, amino acid conservation, physicochemical variation, residue mobility, and thermodynamic stability) indicates that this missense variant is not expected to disrupt AXIN2 protein function with a negative predictive value of 80%. In summary, the available evidence is currently insufficient to determine the role of this variant in disease. Therefore, it has been classified as a Variant of Uncertain Significance.